The following is an entry in ClinVar:

NM_020810.3(TRMT5):c.1417C>T (p.Leu473Phe)

Gene: TRMT5 (tRNA methyltransferase 5; minus strand). Cytogenetic location: 14q23.1.
Variant type: single nucleotide variant.
Coding change: c.1417C>T on transcript NM_020810.3 (MANE Select); coding-DNA position 1417, C replaced by T.
Protein change: p.Leu473Phe; replaces leucine 473 with phenylalanine.
Molecular consequence: missense variant.
Genome position (GRCh38, 1-based): chr14:60,975,502, G>A on the plus strand (C>T on the coding strand, the complement: TRMT5 is on the minus strand). VCF-style: chr14-60975502-G-A. GRCh37 (hg19) VCF-style: chr14-61442220-G-A.
Other names: c.1501C>T, p.Leu501Phe (NM_001350253.1); c.1498C>T, p.Leu500Phe (NM_001350254.1); short protein forms L473F, L500F, L501F.
Identifiers: ClinVar variation 2001814 (VCV002001814.1), dbSNP rs2502984795, ClinGen allele CA389918719.

ClinVar aggregate classification (germline): Uncertain significance (1 of 4 stars; one submission).

Submission:

Labcorp Genetics (formerly Invitae), Labcorp
Classification: Uncertain significance. Last evaluated: 2022-07-17. Review status: criteria provided, single submitter. Criteria: Invitae Variant Classification Sherloc (09022015). Collection method: clinical testing. Allele origin: germline.
Comment: This sequence change replaces leucine, which is neutral and non-polar, with phenylalanine, which is neutral and non-polar, at codon 473 of the TRMT5 protein (p.Leu473Phe). This variant is not present in population databases (gnomAD no frequency). This variant has not been reported in the literature in individuals affected with TRMT5-related conditions. Algorithms developed to predict the effect of missense changes on protein structure and function are either unavailable or do not agree on the potential impact of this missense change (SIFT: "Deleterious"; PolyPhen-2: "Possibly Damaging"; Align-GVGD: "Class C0"). In summary, the available evidence is currently insufficient to determine the role of this variant in disease. Therefore, it has been classified as a Variant of Uncertain Significance.